The following is an entry in ClinVar:

ClinVar aggregate classification (germline): Uncertain significance. Review status: criteria provided, multiple submitters, no conflicts (2 of 4 stars). 3 submissions from 3 submitters: Uncertain significance (3). Last evaluated 2022-10-17.

Conditions:
Hypertrophic cardiomyopathy. Also called: HYPERTROPHIC MYOCARDIOPATHY. Identifiers: Orphanet 217569, MedGen C0007194, MeSH D002312, MONDO:0005045, HP:0001639.
Cardiovascular phenotype. Identifiers: MedGen CN230736.

Submissions (3):

Labcorp Genetics (formerly Invitae), Labcorp
Classification: Uncertain significance for Hypertrophic cardiomyopathy. Last evaluated: 2022-10-17. Review status: criteria provided, single submitter. Criteria: Invitae Variant Classification Sherloc (09022015). Collection method: clinical testing. Allele origin: germline.
Comment: This sequence change replaces threonine, which is neutral and polar, with alanine, which is neutral and non-polar, at codon 235 of the MYH7 protein (p.Thr235Ala). This variant is not present in population databases (gnomAD no frequency). This missense change has been observed in individual(s) with hypertrophic cardiomyopathy (Invitae). ClinVar contains an entry for this variant (Variation ID: 228920). Advanced modeling of protein sequence and biophysical properties (such as structural, functional, and spatial information, amino acid conservation, physicochemical variation, residue mobility, and thermodynamic stability) performed at Invitae indicates that this missense variant is expected to disrupt MYH7 protein function. In summary, the available evidence is currently insufficient to determine the role of this variant in disease. Therefore, it has been classified as a Variant of Uncertain Significance.

Ambry Genetics
Classification: Uncertain significance for Cardiovascular phenotype. Last evaluated: 2021-01-26. Review status: criteria provided, single submitter. Criteria: Ambry Variant Classification Scheme 2023. Collection method: clinical testing. Allele origin: germline.
Comment: The p.T235A variant (also known as c.703A>G), located in coding exon 6 of the MYH7 gene, results from an A to G substitution at nucleotide position 703. The threonine at codon 235 is replaced by alanine, an amino acid with similar properties, and is located in the head domain. This amino acid position is highly conserved in available vertebrate species. In addition, this alteration is predicted to be deleterious by in silico analysis. Since supporting evidence is limited at this time, the clinical significance of this alteration remains unclear.

Laboratory for Molecular Medicine, Mass General Brigham Personalized Medicine
Classification: Uncertain significance. Last evaluated: 2019-04-24. Review status: criteria provided, single submitter. Criteria: LMM Criteria. Collection method: clinical testing. Allele origin: germline. Observed: 1 variant allele.
Comment: proposed classification - variant undergoing re-assessment, contact laboratory

NM_000257.4(MYH7):c.703A>G (p.Thr235Ala)

Gene: MYH7 (myosin heavy chain 7; minus strand). Cytogenetic location: 14q11.2.
Variant type: single nucleotide variant.
Coding change: c.703A>G on transcript NM_000257.4 (MANE Select); coding-DNA position 703, A replaced by G.
Protein change: p.Thr235Ala; replaces threonine 235 with alanine.
Molecular consequence: missense variant.
Genome position (GRCh38, 1-based): chr14:23,431,614, T>C on the plus strand (A>G on the coding strand, the complement: MYH7 is on the minus strand). VCF-style: chr14-23431614-T-C. GRCh37 (hg19) VCF-style: chr14-23900823-T-C.
Other names: short protein forms T235A.
Identifiers: ClinVar variation 228920 (VCV000228920.15), dbSNP rs876657889, ClinGen allele CA10576961.